The following is an entry in ClinVar:

ClinVar aggregate classification (germline): Uncertain significance (1 of 4 stars; one submission).

Conditions:
Ataxia-telangiectasia syndrome (AT). Also called: Ataxia-telangiectasia, complementation group D; ATAXIA-TELANGIECTASIA, COMPLEMENTATION GROUP A; ATAXIA-TELANGIECTASIA, FRESNO VARIANT; Ataxia-telangiectasia, complementation group E; Cerebello-oculocutaneous telangiectasia; Immunodeficiency with ataxia telangiectasia. Identifiers: Orphanet 100, MedGen C0004135, MONDO:0008840, OMIM 208900.

Allele frequency attached by ClinVar (database versions not stated): gnomAD exomes below 0.00001.
gnomAD v4.1: 1 of 1,613,558 alleles (0.000062%); highest among the groups gnomAD compares: Non-Finnish European, 0.000085%; no homozygotes.

Submission:

Labcorp Genetics (formerly Invitae), Labcorp
Classification: Uncertain significance for Ataxia-telangiectasia syndrome. Last evaluated: 2021-04-30. Review status: criteria provided, single submitter. Criteria: Invitae Variant Classification Sherloc (09022015). Collection method: clinical testing. Allele origin: germline.
Comment: In summary, the available evidence is currently insufficient to determine the role of this variant in disease. Therefore, it has been classified as a Variant of Uncertain Significance. Advanced modeling of protein sequence and biophysical properties (such as structural, functional, and spatial information, amino acid conservation, physicochemical variation, residue mobility, and thermodynamic stability) performed at Invitae indicates that this missense variant is not expected to disrupt ATM protein function. This variant has not been reported in the literature in individuals with ATM-related conditions. This variant is not present in population databases (ExAC no frequency). This sequence change replaces valine with alanine at codon 194 of the ATM protein (p.Val194Ala). The valine residue is moderately conserved and there is a small physicochemical difference between valine and alanine.

NM_000051.4(ATM):c.581T>C (p.Val194Ala)

Gene: ATM (ATM serine/threonine kinase; plus strand). Cytogenetic location: 11q22.3.
Variant type: single nucleotide variant.
Coding change: c.581T>C on transcript NM_000051.4 (MANE Select); coding-DNA position 581, T replaced by C.
Protein change: p.Val194Ala; replaces valine 194 with alanine.
Molecular consequence: missense variant.
Genome position (GRCh38, 1-based): chr11:108,244,037, T>C. VCF-style: chr11-108244037-T-C. GRCh37 (hg19) VCF-style: chr11-108114764-T-C.
Other names: c.581T>C, p.Val194Ala (NM_001351834.2); short protein forms V194A.
Identifiers: ClinVar variation 1350277 (VCV001350277.8), dbSNP rs2135224694, ClinGen allele CA382527915.